The following is an entry in ClinVar:

NM_000038.6(APC):c.3507G>C (p.Glu1169Asp)

Gene: APC (APC regulator of Wnt signaling pathway; plus strand). Cytogenetic location: 5q22.2.
Variant type: single nucleotide variant.
Coding change: c.3507G>C on transcript NM_000038.6 (MANE Select); coding-DNA position 3507, G replaced by C.
Protein change: p.Glu1169Asp; replaces glutamic acid 1169 with aspartic acid.
Molecular consequence: missense variant. On other transcripts: non-coding transcript variant (2).
Genome position (GRCh38, 1-based): chr5:112,839,101, G>C. VCF-style: chr5-112839101-G-C. GRCh37 (hg19) VCF-style: chr5-112174798-G-C.
Other names: c.3204G>C, p.Glu1068Asp (NM_001407460.1, NM_001354903.2, NM_001407458.1 and 1 more transcripts); c.3120G>C, p.Glu1040Asp (NM_001407467.1, NM_001407469.1); c.2658G>C, p.Glu886Asp (NM_001407470.1, NM_001354906.2); c.2355G>C, p.Glu785Asp (NM_001407471.1, NM_001407472.1); c.3507G>C, p.Glu1169Asp (NM_001127510.3, NM_001354895.2, NM_001407450.1); c.3453G>C, p.Glu1151Asp (NM_001127511.3); c.3561G>C, p.Glu1187Asp (NM_001354896.2, NM_001407447.1, NM_001407448.1 and 1 more transcripts); c.3537G>C, p.Glu1179Asp (NM_001354897.2); and 11 more; short protein forms E1078D, E1159D, E1162D, E1179D, E785D, E1009D, E1043D, E1068D.
Identifiers: ClinVar variation 3635444 (VCV003635444.2).

ClinVar aggregate classification (germline): Uncertain significance (1 of 4 stars; one submission).

Conditions:
Familial adenomatous polyposis 1 (FAP1). Also called: FAMILIAL ADENOMATOUS POLYPOSIS 1, ATTENUATED; POLYPOSIS, ADENOMATOUS INTESTINAL. Identifiers: MedGen C2713442, MONDO:0021056, OMIM 175100. Disease mechanism: loss of function.

Submission:

Labcorp Genetics (formerly Invitae), Labcorp
Classification: Uncertain significance for Familial adenomatous polyposis 1. Last evaluated: 2024-10-03. Review status: criteria provided, single submitter. Criteria: Invitae Variant Classification Sherloc (09022015). Collection method: clinical testing. Allele origin: germline.
Comment: This sequence change replaces glutamic acid, which is acidic and polar, with aspartic acid, which is acidic and polar, at codon 1169 of the APC protein (p.Glu1169Asp). This variant is not present in population databases (gnomAD no frequency). This variant has not been reported in the literature in individuals affected with APC-related conditions. Invitae Evidence Modeling of protein sequence and biophysical properties (such as structural, functional, and spatial information, amino acid conservation, physicochemical variation, residue mobility, and thermodynamic stability) indicates that this missense variant is not expected to disrupt APC protein function with a negative predictive value of 95%. In summary, the available evidence is currently insufficient to determine the role of this variant in disease. Therefore, it has been classified as a Variant of Uncertain Significance.